The following is an entry in ClinVar:

ClinVar aggregate classification (germline): Likely benign (1 of 4 stars; one submission).

gnomAD v4.1: 186 of 135,480 alleles (0.14%); highest among the groups gnomAD compares: Middle Eastern, 0.38%; 27 homozygotes.

Submission:

CeGaT Center for Human Genetics Tuebingen
Classification: Likely benign. Last evaluated: 2026-08-01. Review status: criteria provided, single submitter. Criteria: CeGaT Center For Human Genetics Tuebingen Variant Classification Criteria Version 2. Collection method: clinical testing. Allele origin: germline. Affected: yes. Observed: 2 variant alleles.
Comment: CFHR1: BS2

NM_002113.3(CFHR1):c.608-415A>G

Gene: CFHR1 (complement factor H related 1; plus strand). Cytogenetic location: 1q31.3.
Variant type: single nucleotide variant.
Coding change: c.608-415A>G on transcript NM_002113.3 (MANE Select); 415 bases into the intron before coding-DNA position 608, A replaced by G.
Molecular consequence: intron variant.
Genome position (GRCh38, 1-based): chr1:196,830,085, A>G. VCF-style: chr1-196830085-A-G. GRCh37 (hg19) VCF-style: chr1-196799215-A-G.
Other names: c.404-415A>G (NM_001379311.1); c.557-415A>G (NM_001379306.1); c.446-415A>G (NM_001379307.1); c.443-415A>G (NM_001379308.1); c.440-415A>G (NM_001379309.1); c.413-415A>G (NM_001379310.1); c.365-415A>G (NM_001379312.1).
Identifiers: ClinVar variation 4873515 (VCV004873515.2).